The following is an entry in ClinVar:

NM_000038.6(APC):c.2471C>T (p.Pro824Leu)

Gene: APC (APC regulator of Wnt signaling pathway; plus strand). Cytogenetic location: 5q22.2.
Variant type: single nucleotide variant.
Coding change: c.2471C>T on transcript NM_000038.6 (MANE Select); coding-DNA position 2471, C replaced by T.
Protein change: p.Pro824Leu; replaces proline 824 with leucine.
Molecular consequence: missense variant. On other transcripts: non-coding transcript variant (2).
Genome position (GRCh38, 1-based): chr5:112,838,065, C>T. VCF-style: chr5-112838065-C-T. GRCh37 (hg19) VCF-style: chr5-112173762-C-T.
Other names: c.2471C>T (NM_000038.5); c.2471C>T, p.Pro824Leu (NM_001127510.3, NM_001354895.2, NM_001407450.1); c.2417C>T, p.Pro806Leu (NM_001127511.3); c.2525C>T, p.Pro842Leu (NM_001354896.2, NM_001407447.1, NM_001407448.1 and 1 more transcripts); c.2501C>T, p.Pro834Leu (NM_001354897.2); c.2396C>T, p.Pro799Leu (NM_001354898.2); c.2387C>T, p.Pro796Leu (NM_001354899.2); c.2348C>T, p.Pro783Leu (NM_001354900.2); and 12 more; short protein forms P541L, P664L, P695L, P733L, P783L, P799L, P806L, P824L.
Identifiers: ClinVar variation 2774846 (VCV002774846.3), dbSNP rs2149870335, ClinGen allele CA16026758.

ClinVar aggregate classification (germline): Uncertain significance. Review status: criteria provided, multiple submitters, no conflicts (2 of 4 stars). 2 submissions from 2 submitters: Uncertain significance (2). Last evaluated 2024-02-22.

Conditions:
Hereditary cancer-predisposing syndrome. Also called: Neoplastic Syndromes, Hereditary; Tumor predisposition; Hereditary Cancer Syndrome; Hereditary neoplastic syndrome. Identifiers: Orphanet 140162, MedGen C0027672, MeSH D009386, MONDO:0015356.

Submissions (2):

Ambry Genetics
Classification: Uncertain significance for Hereditary cancer-predisposing syndrome. Last evaluated: 2024-02-22. Review status: criteria provided, single submitter. Criteria: Ambry Variant Classification Scheme 2023. Collection method: clinical testing. Allele origin: germline.
Comment: The p.P824L variant (also known as c.2471C>T), located in coding exon 15 of the APC gene, results from a C to T substitution at nucleotide position 2471. The proline at codon 824 is replaced by leucine, an amino acid with similar properties. This amino acid position is conserved. In addition, in silico predictors for this gene do not accurately predict pathogenicity. Based on the available evidence, the clinical significance of this alteration remains unclear.

Color Diagnostics, LLC DBA Color Health
Classification: Uncertain significance for Hereditary cancer-predisposing syndrome. Last evaluated: 2023-05-08. Review status: criteria provided, single submitter. Criteria: ACMG Guidelines, 2015. Collection method: clinical testing. Allele origin: germline.
Comment: This missense variant replaces proline with leucine at codon 824 of the APC protein. Computational prediction suggests that this variant may not impact protein structure and function (internally defined REVEL score threshold <= 0.5, PMID: 27666373). To our knowledge, functional studies have not been reported for this variant. This variant has not been reported in individuals affected with APC-related disorders in the literature. This variant has not been identified in the general population by the Genome Aggregation Database (gnomAD). The available evidence is insufficient to determine the role of this variant in disease conclusively. Therefore, this variant is classified as a Variant of Uncertain Significance.